The following is an entry in ClinVar:

NM_016151.4(TAOK2):c.1678G>A (p.Glu560Lys)

Gene: TAOK2 (TAO kinase 2; plus strand). Cytogenetic location: 16p11.2.
Variant type: single nucleotide variant.
Coding change: c.1678G>A on transcript NM_016151.4 (MANE Select); coding-DNA position 1678, G replaced by A.
Protein change: p.Glu560Lys; replaces glutamic acid 560 with lysine.
Molecular consequence: missense variant.
Genome position (GRCh38, 1-based): chr16:29,985,468, G>A. VCF-style: chr16-29985468-G-A. GRCh37 (hg19) VCF-style: chr16-29996789-G-A.
Other names: c.1678G>A, p.Glu560Lys (NM_001252043.2, NM_004783.4); c.1678G>A (NM_016151.2); short protein forms E560K.
Identifiers: ClinVar variation 1394252 (VCV001394252.7), dbSNP rs776843842, ClinGen allele CA7998192.

ClinVar aggregate classification (germline): Uncertain significance. Review status: criteria provided, multiple submitters, no conflicts (2 of 4 stars). 2 submissions from 2 submitters: Uncertain significance (2). Last evaluated 2022-09-27.

Allele frequency attached by ClinVar (database versions not stated): gnomAD 0.00001; gnomAD exomes 0.00001; ExAC 0.00002.
gnomAD v4.1: 8 of 1,612,596 alleles (0.0005%); highest among the groups gnomAD compares: Admixed American, 0.005%; no homozygotes.

Submissions (2):

Labcorp Genetics (formerly Invitae), Labcorp
Classification: Uncertain significance. Last evaluated: 2022-09-27. Review status: criteria provided, single submitter. Criteria: Invitae Variant Classification Sherloc (09022015). Collection method: clinical testing. Allele origin: germline.
Comment: This sequence change replaces glutamic acid, which is acidic and polar, with lysine, which is basic and polar, at codon 560 of the TAOK2 protein (p.Glu560Lys). In summary, the available evidence is currently insufficient to determine the role of this variant in disease. Therefore, it has been classified as a Variant of Uncertain Significance. Algorithms developed to predict the effect of missense changes on protein structure and function are either unavailable or do not agree on the potential impact of this missense change (SIFT: "Tolerated"; PolyPhen-2: "Possibly Damaging"; Align-GVGD: "Class C0"). ClinVar contains an entry for this variant (Variation ID: 1394252). This variant has not been reported in the literature in individuals affected with TAOK2-related conditions. This variant is present in population databases (rs776843842, gnomAD 0.003%).

Ambry Genetics
Classification: Uncertain significance. Last evaluated: 2022-06-09. Review status: criteria provided, single submitter. Criteria: Ambry Variant Classification Scheme 2023. Collection method: clinical testing. Allele origin: germline.